The following is an entry in ClinVar:

ClinVar aggregate classification (germline): Uncertain significance. Review status: criteria provided, multiple submitters, no conflicts (2 of 4 stars). 2 submissions from 2 submitters: Uncertain significance (2). Last evaluated 2024-01-08.

Conditions:
Ehlers-Danlos syndrome, classic type, 1 (EDSCL1). Also called: EHLERS-DANLOS SYNDROME, GRAVIS TYPE; EHLERS-DANLOS SYNDROME, SEVERE CLASSIC TYPE; Ehlers-Danlos syndrome, type 1; Ehlers-Danlos Syndrome, Classic Type, COL5A1-Related; EDS I. Identifiers: MedGen C0268335, MONDO:0019567, OMIM 130000.

gnomAD v4.1: 1 of 1,605,950 alleles (0.000062%); highest among the groups gnomAD compares: Non-Finnish European, 0.000085%; no homozygotes.

Submissions (2):

Labcorp Genetics (formerly Invitae), Labcorp
Classification: Uncertain significance for Ehlers-Danlos syndrome, classic type, 1. Last evaluated: 2024-01-08. Review status: criteria provided, single submitter. Criteria: Invitae Variant Classification Sherloc (09022015). Collection method: clinical testing. Allele origin: germline.
Comment: This sequence change replaces arginine, which is basic and polar, with leucine, which is neutral and non-polar, at codon 1114 of the COL5A2 protein (p.Arg1114Leu). This variant is not present in population databases (gnomAD no frequency). This variant has not been reported in the literature in individuals affected with COL5A2-related conditions. Advanced modeling of protein sequence and biophysical properties (such as structural, functional, and spatial information, amino acid conservation, physicochemical variation, residue mobility, and thermodynamic stability) performed at Invitae indicates that this missense variant is not expected to disrupt COL5A2 protein function with a negative predictive value of 80%. In summary, the available evidence is currently insufficient to determine the role of this variant in disease. Therefore, it has been classified as a Variant of Uncertain Significance.

Mayo Clinic Laboratories, Mayo Clinic
Classification: Uncertain significance. Last evaluated: 2022-11-01. Review status: criteria provided, single submitter. Criteria: ACMG Guidelines, 2015. Collection method: clinical testing. Allele origin: germline. Observed: 1 variant allele.
Comment: PM2_supporting

NM_000393.5(COL5A2):c.3341G>T (p.Arg1114Leu)

Gene: COL5A2 (collagen type V alpha 2 chain; minus strand). Cytogenetic location: 2q32.2.
Variant type: single nucleotide variant.
Coding change: c.3341G>T on transcript NM_000393.5 (MANE Select); coding-DNA position 3341, G replaced by T.
Protein change: p.Arg1114Leu; replaces arginine 1114 with leucine.
Molecular consequence: missense variant.
Genome position (GRCh38, 1-based): chr2:189,045,201, C>A on the plus strand (G>T on the coding strand, the complement: COL5A2 is on the minus strand). VCF-style: chr2-189045201-C-A. GRCh37 (hg19) VCF-style: chr2-189909927-C-A.
Other names: p.Arg1114Leu; short protein forms R1114L.
Identifiers: ClinVar variation 2682806 (VCV002682806.4), dbSNP rs377049803, ClinGen allele CA349862200.
Genomic context (GRCh38, chr2:189,045,201, plus strand): 5'-AGAAAACATTTTTTAAAAAACAAAAAAAGAGAACTTACAGGTAATCCACGTTTCCCAGCT[C>A]GACCAGGTGGTCCTATAGGACCCCGAGAACCCTAAAAGAAATTTACAACAAAAAAAATTG-3'
Protein context (NP_000384.2, residues 1104-1124): GSRGPIGPPG[Arg1114Leu]AGKRGLPGPQ